The following is an entry in ClinVar:

ClinVar aggregate classification (germline): Pathogenic (1 of 4 stars; one submission).

Conditions:
Aortic valve disease 2 (AOVD2). Identifiers: MedGen C3542024, MONDO:0013902, OMIM 614823.

Submission:

Labcorp Genetics (formerly Invitae), Labcorp
Classification: Pathogenic for Aortic valve disease 2. Last evaluated: 2022-08-09. Review status: criteria provided, single submitter. Criteria: Invitae Variant Classification Sherloc (09022015). Collection method: clinical testing. Allele origin: germline.
Comment: For these reasons, this variant has been classified as Pathogenic. ClinVar contains an entry for this variant (Variation ID: 656872). This variant has not been reported in the literature in individuals affected with TBX5-related conditions. This variant is not present in population databases (gnomAD no frequency). This sequence change creates a premature translational stop signal (p.Lys55Serfs*8) in the TBX5 gene. It is expected to result in an absent or disrupted protein product. Loss-of-function variants in TBX5 are known to be pathogenic (PMID: 16183809, 16917909).

Literature cited by the submitters: PubMed 16183809; PubMed 16917909.

NM_181486.4(TBX5):c.163_172del (p.Lys55fs)

Gene: TBX5 (T-box transcription factor 5; minus strand). Cytogenetic location: 12q24.21.
Variant type: Deletion.
Coding change: c.163_172del on transcript NM_181486.4 (MANE Select); coding-DNA positions 163 to 172, 10 bases deleted (AAAGTGTTTC; older notation c.163_172delAAAGTGTTTC).
Protein change: p.Lys55fs; shifts the reading frame from lysine 55.
Molecular consequence: frameshift variant.
Genome position (GRCh38, 1-based): chr12:114,401,896-114,401,905, GAAACACTTT deleted on the plus strand (AAAGTGTTTC on the coding strand, the reverse complement: TBX5 is on the minus strand); deleting any 10 consecutive bases within chr12:114,401,896-114,401,907 gives the same sequence; the c. name uses the placement nearest the transcript's 3' end. VCF-style (leftmost placement, unchanged base first): chr12-114401895-AGAAACACTTT-A. GRCh37 (hg19) VCF-style: chr12-114839700-AGAAACACTTT-A.
Other names: c.163_172del, p.Lys55fs (NM_000192.3); c.13_22del, p.Lys5fs (NM_080717.4); c.163_172delAAAGTGTTTC (NM_000192.3); short protein forms K55fs, K5fs.
Identifiers: ClinVar variation 656872 (VCV000656872.6), dbSNP rs1593883930, ClinGen allele CA915946706.